The following is an entry in ClinVar:

NM_001018113.3(FANCB):c.1496T>C (p.Leu499Pro)

Gene: FANCB (FA complementation group B; minus strand). Cytogenetic location: Xp22.2.
Variant type: single nucleotide variant.
Coding change: c.1496T>C on transcript NM_001018113.3 (MANE Select); coding-DNA position 1496, T replaced by C.
Protein change: p.Leu499Pro; replaces leucine 499 with proline.
Molecular consequence: missense variant.
Genome position (GRCh38, 1-based): chrX:14,850,505, A>G on the plus strand (T>C on the coding strand, the complement: FANCB is on the minus strand). VCF-style: chrX-14850505-A-G. GRCh37 (hg19) VCF-style: chrX-14868627-A-G.
Other names: c.1496T>C, p.Leu499Pro (NM_001324162.2, NM_152633.4); short protein forms L499P.
Identifiers: ClinVar variation 1692531 (VCV001692531.1), dbSNP rs935080919, ClinGen allele CA327061995.

ClinVar aggregate classification (germline): Uncertain significance (1 of 4 stars; one submission).

Conditions:
Fanconi anemia (FA). Also called: Fanconi's anemia. Identifiers: Orphanet 84, MedGen C0015625, MeSH D005199, MONDO:0019391.

Allele frequency attached by ClinVar (database versions not stated): gnomAD exomes below 0.00001; gnomAD 0.00001; TOPMed 0.00005.
gnomAD v4.1: 2 of 1,194,510 alleles (0.00017%); highest among the groups gnomAD compares: African/African-American, 0.0035%; no homozygotes.

Submission:

Sema4
Classification: Uncertain significance for Fanconi anemia. Last evaluated: 2022-01-04. Review status: criteria provided, single submitter. Criteria: Sema4 Curation Guidelines. Collection method: curation. Allele origin: germline.
Comment: The FANCB c.1496T>C (p.L499P) variant has not been reported in the literature to our knowledge. It was not observed in the large and broad cohorts of the Genome Aggregation Database. The variant has not been reported in ClinVar. In silico tools suggest the impact of the variant on protein function is benign, though these predictions have not been confirmed by functional studies. The evidence is insufficient to meet ACMG/AMP criteria for classifying the variant as benign or pathogenic. Thus, the clinical significance of this variant is currently uncertain.